The following is an entry in ClinVar:

NM_000329.3(RPE65):c.999-3C>G

Gene: RPE65 (retinoid isomerohydrolase RPE65; minus strand). Cytogenetic location: 1p31.3.
Variant type: single nucleotide variant.
Coding change: c.999-3C>G on transcript NM_000329.3 (MANE Select); 3 bases into the intron before coding-DNA position 999, C replaced by G.
Molecular consequence: intron variant.
Genome position (GRCh38, 1-based): chr1:68,438,319, G>C on the plus strand (C>G on the coding strand, the complement: RPE65 is on the minus strand). VCF-style: chr1-68438319-G-C. GRCh37 (hg19) VCF-style: chr1-68904002-G-C.
Identifiers: ClinVar variation 1488998 (VCV001488998.6), dbSNP rs2100817189, ClinGen allele CA2573132576.
Genomic context (GRCh38, chr1:68,438,319, plus strand): 5'-CTCTTCCCAGTTCTCACGTAAATTGGCTAAATATAAGTAATTATAAACAAACTCAAATCT[G>C]CAAAAATAAAAAGTCAAACATGAGCACAGGCAATGACAAATAATTTTAGAGAGATGATTC-3'

ClinVar aggregate classification (germline): Uncertain significance (1 of 4 stars; one submission).

Conditions:
Retinitis pigmentosa 20 (RP20). Identifiers: Orphanet 791, MedGen C3151086, MONDO:0013425, OMIM 613794.
Leber congenital amaurosis 2 (LCA2). Also called: AMAUROSIS CONGENITA OF LEBER II; Autosomal Recessive RPE65-Related Retinal Degeneration. Identifiers: Orphanet 65, MedGen C1859844, MONDO:0008765, OMIM 204100. Disease mechanism: loss of function.

Submission:

Labcorp Genetics (formerly Invitae), Labcorp
Classification: Uncertain significance for Leber congenital amaurosis 2; Retinitis pigmentosa 20. Last evaluated: 2021-11-14. Review status: criteria provided, single submitter. Criteria: Invitae Variant Classification Sherloc (09022015). Collection method: clinical testing. Allele origin: germline.
Comment: This sequence change falls in intron 9 of the RPE65 gene. It does not directly change the encoded amino acid sequence of the RPE65 protein. It affects a nucleotide within the consensus splice site. This variant is not present in population databases (gnomAD no frequency). This variant has not been reported in the literature in individuals affected with RPE65-related conditions. Variants that disrupt the consensus splice site are a relatively common cause of aberrant splicing (PMID: 17576681, 9536098). Algorithms developed to predict the effect of sequence changes on RNA splicing suggest that this variant may disrupt the consensus splice site. In summary, the available evidence is currently insufficient to determine the role of this variant in disease. Therefore, it has been classified as a Variant of Uncertain Significance.

Literature cited by the submitters: PubMed 17576681; PubMed 9536098.